The following is an entry in ClinVar:

NM_020987.5(ANK3):c.6916A>G (p.Lys2306Glu)

Gene: ANK3 (ankyrin 3; minus strand). Cytogenetic location: 10q21.2.
Variant type: single nucleotide variant.
Coding change: c.6916A>G on transcript NM_020987.5 (MANE Select); coding-DNA position 6916, A replaced by G.
Protein change: p.Lys2306Glu; replaces lysine 2306 with glutamic acid.
Molecular consequence: missense variant. On other transcripts: intron variant (4).
Genome position (GRCh38, 1-based): chr10:60,073,965, T>C on the plus strand (A>G on the coding strand, the complement: ANK3 is on the minus strand). VCF-style: chr10-60073965-T-C. GRCh37 (hg19) VCF-style: chr10-61833723-T-C.
Other names: c.4409-5956A>G (NM_001204404.2); c.4406-5956A>G (NM_001320874.2); c.1808-5956A>G (NM_001149.4); c.4388-5956A>G (NM_001204403.2); short protein forms K2306E.
Identifiers: ClinVar variation 434188 (VCV000434188.33), dbSNP rs144270555, ClinGen allele CA5511788.

ClinVar aggregate classification (germline): Conflicting classifications of pathogenicity. Review status: criteria provided, conflicting classifications (1 of 4 stars). 7 submissions from 7 submitters: Uncertain significance (6); Likely benign (1). Last evaluated 2026-01-05.

Conditions:
Inborn genetic diseases. Identifiers: MedGen C0950123, MeSH D030342.
Intellectual developmental disorder, autosomal recessive 37. Also called: Intellectual disability-hypotonia-spasticity-sleep disorder syndrome. Identifiers: Orphanet 356996, MedGen C3809672, MONDO:0014210, OMIM 615493.

Allele frequency attached by ClinVar (database versions not stated): gnomAD exomes 0.00011 and 0.00018; gnomAD 0.00022 and 0.00020; ESP Exome Variant Server 0.00023; ExAC 0.00023; TOPMed 0.00029.
gnomAD v4.1: 202 of 1,613,938 alleles (0.013%); highest among the groups gnomAD compares: Admixed American, 0.057%; no homozygotes.

Submissions (7):

Labcorp Genetics (formerly Invitae), Labcorp
Classification: Uncertain significance. Last evaluated: 2026-01-05. Review status: criteria provided, single submitter. Criteria: Invitae Variant Classification Sherloc (09022015). Collection method: clinical testing. Allele origin: germline.
Comment: This sequence change replaces lysine, which is basic and polar, with glutamic acid, which is acidic and polar, at codon 2306 of the ANK3 protein (p.Lys2306Glu). This variant is present in population databases (rs144270555, gnomAD 0.05%). This variant has not been reported in the literature in individuals affected with ANK3-related conditions. ClinVar contains an entry for this variant (Variation ID: 434188). Invitae Evidence Modeling of protein sequence and biophysical properties (such as structural, functional, and spatial information, amino acid conservation, physicochemical variation, residue mobility, and thermodynamic stability) indicates that this missense variant is not expected to disrupt ANK3 protein function with a negative predictive value of 80%. In summary, the available evidence is currently insufficient to determine the role of this variant in disease. Therefore, it has been classified as a Variant of Uncertain Significance.

3billion
Classification: Likely benign for Intellectual developmental disorder, autosomal recessive 37. Last evaluated: 2024-09-20. Review status: criteria provided, single submitter. Criteria: ACMG Guidelines, 2015. Collection method: clinical testing. Allele origin: germline. Affected: no.
Comment: The homozygous variant was found in patients diagnosed with another variant in a different gene, with no symptoms related to the gene containing the homozygous variant.

CeGaT Center for Human Genetics Tuebingen
Classification: Uncertain significance. Last evaluated: 2024-08-01. Review status: criteria provided, single submitter. Criteria: CeGaT Center For Human Genetics Tuebingen Variant Classification Criteria Version 2. Collection method: clinical testing. Allele origin: germline. Affected: yes. Observed: 1 variant allele.
Comment: ANK3: PM2, PM3, BP4

Ambry Genetics
Classification: Uncertain significance for Inborn genetic diseases. Last evaluated: 2022-06-30. Review status: criteria provided, single submitter. Criteria: Ambry Variant Classification Scheme 2023. Collection method: clinical testing. Allele origin: germline.
Comment: Unlikely to be causative of ANK3-related neurodevelopmental disorder (AD). Based on insufficient or conflicting evidence, the clinical significance of this alteration remains unclear.

Fulgent Genetics
Classification: Uncertain significance for Intellectual developmental disorder, autosomal recessive 37. Last evaluated: 2018-10-31. Review status: criteria provided, single submitter. Criteria: ACMG Guidelines, 2015. Collection method: clinical testing. Allele origin: unknown.

Eurofins Ntd Llc (ga)
Classification: Uncertain significance. Last evaluated: 2017-02-20. Review status: criteria provided, single submitter. Criteria: EGL Classification Definitions 2015. Collection method: clinical testing. Allele origin: germline. Observed: 1 variant allele, 1 heterozygote.

Genetic Services Laboratory, University of Chicago
Classification: Uncertain significance. Last evaluated: 2016-05-19. Review status: criteria provided, single submitter. Criteria: ACMG Guidelines, 2015. Collection method: clinical testing. Allele origin: germline. Affected: no.